The following is an entry in ClinVar:

ClinVar aggregate classification (germline): Uncertain significance (1 of 4 stars; one submission).

Allele frequency attached by ClinVar (database versions not stated): gnomAD exomes below 0.00001.
gnomAD v4.1: 1 of 1,614,106 alleles (0.000062%); highest among the groups gnomAD compares: Admixed American, 0.0017%; no homozygotes.

Submission:

Labcorp Genetics (formerly Invitae), Labcorp
Classification: Uncertain significance. Last evaluated: 2022-05-21. Review status: criteria provided, single submitter. Criteria: Invitae Variant Classification Sherloc (09022015). Collection method: clinical testing. Allele origin: germline.
Comment: In summary, the available evidence is currently insufficient to determine the role of this variant in disease. Therefore, it has been classified as a Variant of Uncertain Significance. Algorithms developed to predict the effect of missense changes on protein structure and function (SIFT, PolyPhen-2, Align-GVGD) all suggest that this variant is likely to be tolerated. This sequence change replaces methionine, which is neutral and non-polar, with isoleucine, which is neutral and non-polar, at codon 277 of the NDUFS1 protein (p.Met277Ile). This variant is not present in population databases (gnomAD no frequency). This variant has not been reported in the literature in individuals affected with NDUFS1-related conditions.

NM_005006.7(NDUFS1):c.831G>A (p.Met277Ile)

Gene: NDUFS1 (NADH:ubiquinone oxidoreductase core subunit S1; minus strand). Cytogenetic location: 2q33.3.
Variant type: single nucleotide variant.
Coding change: c.831G>A on transcript NM_005006.7 (MANE Select); coding-DNA position 831, G replaced by A.
Protein change: p.Met277Ile; replaces methionine 277 with isoleucine.
Molecular consequence: missense variant.
Genome position (GRCh38, 1-based): chr2:206,144,933, C>T on the plus strand (G>A on the coding strand, the complement: NDUFS1 is on the minus strand). VCF-style: chr2-206144933-C-T. GRCh37 (hg19) VCF-style: chr2-207009657-C-T.
Other names: c.723G>A, p.Met241Ile (NM_001199981.2); c.498G>A, p.Met166Ile (NM_001199982.2); c.660G>A, p.Met220Ile (NM_001199983.2); c.873G>A, p.Met291Ile (NM_001199984.2); short protein forms M241I, M277I, M291I, M220I, M166I.
Identifiers: ClinVar variation 1934561 (VCV001934561.5), dbSNP rs1452711330, ClinGen allele CA350057182.